The following is an entry in ClinVar:

NM_001110556.2(FLNA):c.5822A>G (p.Gln1941Arg)

Gene: FLNA (filamin A; minus strand). Cytogenetic location: Xq28.
Variant type: single nucleotide variant.
Coding change: c.5822A>G on transcript NM_001110556.2 (MANE Select); coding-DNA position 5822, A replaced by G.
Protein change: p.Gln1941Arg; replaces glutamine 1941 with arginine.
Molecular consequence: missense variant.
Genome position (GRCh38, 1-based): chrX:154,353,592, T>C on the plus strand (A>G on the coding strand, the complement: FLNA is on the minus strand). VCF-style: chrX-154353592-T-C. GRCh37 (hg19) VCF-style: chrX-153581960-T-C.
Other names: c.5798A>G, p.Gln1933Arg (NM_001456.4); short protein forms Q1933R, Q1941R.
Identifiers: ClinVar variation 2165073 (VCV002165073.4), dbSNP rs2522724635, ClinGen allele CA415199102.

ClinVar aggregate classification (germline): Uncertain significance (1 of 4 stars; one submission).

Conditions:
Oto-palato-digital syndrome, type II (OPD2). Also called: Otopalatodigital Syndrome Type 2 (FLNA-OPD2); Otopalatodigital Syndrome, Type II; FACIOPALATOOSSEOUS SYNDROME; OPD II SYNDROME. Identifiers: Orphanet 669, Orphanet 90652, MedGen C1844696, MONDO:0010571, OMIM 304120.
Frontometaphyseal dysplasia (FMD1). Identifiers: Orphanet 1826, MedGen C0265293, MONDO:0015942.
Melnick-Needles syndrome (MNS). Also called: Melnick-Needles Syndrome (FLNA-MNS); MELNICK-NEEDLES OSTEODYSPLASTY; OSTEODYSPLASTY OF MELNICK AND NEEDLES. Identifiers: Orphanet 2484, MedGen C0025237, MONDO:0010650, OMIM 309350.
Heterotopia, periventricular, X-linked dominant (PVNH1). Also called: PERIVENTRICULAR NODULAR HETEROTOPIA 4; HETEROTOPIA, PERIVENTRICULAR, 1; X-linked periventricular heterotopia; PERIVENTRICULAR NODULAR HETEROTOPIA 1. Identifiers: Orphanet 2149, Orphanet 82004, MedGen C1848213, MONDO:0010233, OMIM 300049.

Submission:

Labcorp Genetics (formerly Invitae), Labcorp
Classification: Uncertain significance for Oto-palato-digital syndrome, type II; Heterotopia, periventricular, X-linked dominant; Frontometaphyseal dysplasia; Melnick-Needles syndrome. Last evaluated: 2024-05-06. Review status: criteria provided, single submitter. Criteria: Invitae Variant Classification Sherloc (09022015). Collection method: clinical testing. Allele origin: germline.
Comment: This sequence change replaces glutamine, which is neutral and polar, with arginine, which is basic and polar, at codon 1933 of the FLNA protein (p.Gln1933Arg). This variant is not present in population databases (gnomAD no frequency). This variant has not been reported in the literature in individuals affected with FLNA-related conditions. ClinVar contains an entry for this variant (Variation ID: 2165073). Advanced modeling of protein sequence and biophysical properties (such as structural, functional, and spatial information, amino acid conservation, physicochemical variation, residue mobility, and thermodynamic stability) performed at Invitae indicates that this missense variant is not expected to disrupt FLNA protein function with a negative predictive value of 95%. In summary, the available evidence is currently insufficient to determine the role of this variant in disease. Therefore, it has been classified as a Variant of Uncertain Significance.